The following is an entry in ClinVar:

NM_004006.3(DMD):c.428G>T (p.Trp143Leu)

Gene: DMD (dystrophin; minus strand). Cytogenetic location: Xp21.1.
Variant type: single nucleotide variant.
Coding change: c.428G>T on transcript NM_004006.3 (MANE Select); coding-DNA position 428, G replaced by T.
Protein change: p.Trp143Leu; replaces tryptophan 143 with leucine.
Molecular consequence: missense variant.
Genome position (GRCh38, 1-based): chrX:32,816,570, C>A on the plus strand (G>T on the coding strand, the complement: DMD is on the minus strand). VCF-style: chrX-32816570-C-A. GRCh37 (hg19) VCF-style: chrX-32834687-C-A.
Other names: c.404G>T, p.Trp135Leu (NM_000109.4); c.416G>T, p.Trp139Leu (NM_004009.3); c.59G>T, p.Trp20Leu (NM_004010.3); short protein forms W135L, W139L, W143L, W20L.
Identifiers: ClinVar variation 1217586 (VCV001217586.5), dbSNP rs1452761489, ClinGen allele CA412674235.
Genomic context (GRCh38, chrX:32,816,570, plus strand): 5'-CAGCTGGTGGTGAAGTTGATTACATTAACCTGTGGATAATTACGAGTTGATTGTCGGACC[C>A]AGCTCAGGAGAATCTTTTCACTGTTGGTTTGTTGCAATCCAGCCATGATATTTTTCATTA-3'
Protein context (NP_003997.2, residues 133-153): QTNSEKILLS[Trp143Leu]VRQSTRNYPQ

ClinVar aggregate classification (germline): Uncertain significance. Review status: criteria provided, multiple submitters, no conflicts (2 of 4 stars). 3 submissions from 3 submitters: Uncertain significance (2). 1 of the submissions does not count toward it. Last evaluated 2025-05-25.

Conditions:
Dystrophin deficiency.
Duchenne muscular dystrophy (DMD). Also called: MUSCULAR DYSTROPHY, PSEUDOHYPERTROPHIC PROGRESSIVE, DUCHENNE TYPE; Duchenne Muscular Dystrophy (DMD). Identifiers: Orphanet 98896, MedGen C0013264, MONDO:0010679, OMIM 310200.
Cardiomyopathy (CMYO). Also called: Cardiomyopathies. Identifiers: Orphanet 167848, MedGen C0878544, MONDO:0004994, HP:0001638. Inheritance: Various modes of inheritance.
Becker muscular dystrophy (BMD). Also called: Becker Muscular Dystrophy (BMD); MUSCULAR DYSTROPHY, PSEUDOHYPERTROPHIC PROGRESSIVE, BECKER TYPE. Identifiers: Orphanet 98895, MedGen C0917713, MONDO:0010311, OMIM 300376.

Allele frequency attached by ClinVar (database versions not stated): TOPMed below 0.00001.

Submissions (3):

Labcorp Genetics (formerly Invitae), Labcorp
Classification: Uncertain significance for Duchenne muscular dystrophy. Last evaluated: 2025-05-25. Review status: criteria provided, single submitter. Criteria: Invitae Variant Classification Sherloc (09022015). Collection method: clinical testing. Allele origin: germline.
Comment: This sequence change replaces tryptophan, which is neutral and slightly polar, with leucine, which is neutral and non-polar, at codon 143 of the DMD protein (p.Trp143Leu). This variant is not present in population databases (gnomAD no frequency). This variant has not been reported in the literature in individuals affected with DMD-related conditions. ClinVar contains an entry for this variant (Variation ID: 1217586). Invitae Evidence Modeling of protein sequence and biophysical properties (such as structural, functional, and spatial information, amino acid conservation, physicochemical variation, residue mobility, and thermodynamic stability) indicates that this missense variant is expected to disrupt DMD protein function with a positive predictive value of 95%. In summary, the available evidence is currently insufficient to determine the role of this variant in disease. Therefore, it has been classified as a Variant of Uncertain Significance.

GeneDx
Classification: Uncertain significance. Last evaluated: 2021-01-13. Review status: criteria provided, single submitter. Criteria: GeneDx Variant Classification Process June 2021. Collection method: clinical testing. Allele origin: germline. Affected: yes.
Comment: Has not been previously published as pathogenic or benign to our knowledge; Not observed in large population cohorts (Lek et al., 2016); In silico analysis supports that this missense variant has a deleterious effect on protein structure/function; Missense variant in a gene in which most reported pathogenic variants are truncating/loss-of-function

Natera, Inc.
Classification: Uncertain significance for Becker muscular dystrophy; Cardiomyopathy; Duchenne muscular dystrophy; Dystrophin deficiency. Last evaluated: 2018-08-31. Review status: no assertion criteria provided. Collection method: clinical testing. Allele origin: germline. Not counted in ClinVar's aggregate classification.